The following is an entry in ClinVar:

ClinVar aggregate classification (germline): Uncertain significance. Review status: criteria provided, multiple submitters, no conflicts (2 of 4 stars). 2 submissions from 2 submitters: Uncertain significance (2). Last evaluated 2024-06-17.

Conditions:
Melanoma, cutaneous malignant, susceptibility to, 1 (CMM1). Also called: MELANOMA, MALIGNANT; DYSPLASTIC NEVUS SYNDROME, HEREDITARY; FAMILIAL ATYPICAL MOLE-MALIGNANT MELANOMA SYNDROME; B-K MOLE SYNDROME. Identifiers: Orphanet 618, MedGen C1835047, MONDO:0007963, OMIM 155600.
Noonan syndrome 7 (NS7). Also called: BRAF-Related Noonan Syndrome. Identifiers: Orphanet 648, MedGen C3150970, MONDO:0013379, OMIM 613706.
LEOPARD syndrome 3 (LPRD3). Identifiers: Orphanet 500, MedGen C3150971, MONDO:0013380, OMIM 613707.
Colorectal cancer. Also called: Colorectal cancer, somatic; Malignant Colorectal Neoplasm. Identifiers: MedGen C0346629, MONDO:0005575, OMIM 114500.
Cardiofaciocutaneous syndrome 1 (CFC1). Also called: BRAF-Related Cardiofaciocutaneous Syndrome; MAP2K1-Related Cardiofaciocutaneous Syndrome; KRAS-Related Cardiofaciocutaneous Syndrome; MAP2K2-Related Cardiofaciocutaneous Syndrome. Identifiers: Orphanet 1340, MedGen CN029449, MONDO:0007265, OMIM 115150. Disease mechanism: gain of function.
Lung cancer. Also called: Malignant tumor of lung; Lung cancer, somatic. Identifiers: MedGen C0242379, MONDO:0008903, OMIM 211980.
RASopathy. Also called: rasopathies; Noonan spectrum disorder. Identifiers: Orphanet 536391, MedGen C5555857, MONDO:0021060.

gnomAD v4.1: 1 of 1,162,152 alleles (0.000086%); highest among the groups gnomAD compares: Admixed American, 0.0021%; no homozygotes.

Submissions (2):

Fulgent Genetics
Classification: Uncertain significance for Colorectal cancer; Cardiofaciocutaneous syndrome 1; Melanoma, cutaneous malignant, susceptibility to, 1; Lung cancer; Noonan syndrome 7; LEOPARD syndrome 3. Last evaluated: 2024-06-17. Review status: criteria provided, single submitter. Criteria: ACMG Guidelines, 2015. Collection method: clinical testing. Allele origin: germline.

Labcorp Genetics (formerly Invitae), Labcorp
Classification: Uncertain significance for RASopathy. Last evaluated: 2024-04-05. Review status: criteria provided, single submitter. Criteria: Invitae Variant Classification Sherloc (09022015). Collection method: clinical testing. Allele origin: germline.
Comment: This sequence change replaces glycine, which is neutral and non-polar, with cysteine, which is neutral and slightly polar, at codon 8 of the BRAF protein (p.Gly8Cys). The frequency data for this variant in the population databases is considered unreliable, as metrics indicate poor data quality at this position in the gnomAD database. This variant has not been reported in the literature in individuals affected with BRAF-related conditions. Advanced modeling of protein sequence and biophysical properties (such as structural, functional, and spatial information, amino acid conservation, physicochemical variation, residue mobility, and thermodynamic stability) performed at Invitae indicates that this missense variant is expected to disrupt BRAF protein function with a positive predictive value of 95%. In summary, the available evidence is currently insufficient to determine the role of this variant in disease. Therefore, it has been classified as a Variant of Uncertain Significance.

NM_004333.6(BRAF):c.22G>T (p.Gly8Cys)

Gene: BRAF (B-Raf proto-oncogene, serine/threonine kinase; minus strand). Cytogenetic location: 7q34.
Variant type: single nucleotide variant.
Coding change: c.22G>T on transcript NM_004333.6 (MANE Select); coding-DNA position 22, G replaced by T.
Protein change: p.Gly8Cys; replaces glycine 8 with cysteine.
Molecular consequence: missense variant.
Genome position (GRCh38, 1-based): chr7:140,924,682, C>A on the plus strand (G>T on the coding strand, the complement: BRAF is on the minus strand). VCF-style: chr7-140924682-C-A. GRCh37 (hg19) VCF-style: chr7-140624482-C-A.
Other names: c.22G>T, p.Gly8Cys (NM_001378470.1, NM_001378471.1, NM_001378474.1 and 7 more transcripts); short protein forms G8C.
Identifiers: ClinVar variation 2989540 (VCV002989540.4), dbSNP rs1205861530, ClinGen allele CA369590253.